The following is an entry in ClinVar:

ClinVar aggregate classification (germline): Uncertain significance (1 of 4 stars; one submission).

Conditions:
Charcot-Marie-Tooth disease dominant intermediate E. Also called: CHARCOT-MARIE-TOOTH NEUROPATHY WITH FOCAL SEGMENTAL GLOMERULONEPHRITIS. Identifiers: Orphanet 93114, MedGen C4302667, MONDO:0013758, OMIM 614455.
Focal segmental glomerulosclerosis 5 (FSGS5). Identifiers: Orphanet 656, MedGen C2750475, MONDO:0013191, OMIM 613237.

gnomAD v4.1: 6 of 1,612,748 alleles (0.00037%); highest among the groups gnomAD compares: South Asian, 0.0011%; no homozygotes.

Submission:

Labcorp Genetics (formerly Invitae), Labcorp
Classification: Uncertain significance for Charcot-Marie-Tooth disease dominant intermediate E; Focal segmental glomerulosclerosis 5. Last evaluated: 2023-08-20. Review status: criteria provided, single submitter. Criteria: Invitae Variant Classification Sherloc (09022015). Collection method: clinical testing. Allele origin: germline.
Comment: Advanced modeling of protein sequence and biophysical properties (such as structural, functional, and spatial information, amino acid conservation, physicochemical variation, residue mobility, and thermodynamic stability) performed at Invitae indicates that this missense variant is not expected to disrupt INF2 protein function. This variant has not been reported in the literature in individuals affected with INF2-related conditions. This variant is not present in population databases (gnomAD no frequency). This sequence change replaces asparagine, which is neutral and polar, with serine, which is neutral and polar, at codon 1119 of the INF2 protein (p.Asn1119Ser). In summary, the available evidence is currently insufficient to determine the role of this variant in disease. Therefore, it has been classified as a Variant of Uncertain Significance.

NM_022489.4(INF2):c.3356A>G (p.Asn1119Ser)

Gene: INF2 (inverted formin 2; plus strand). Cytogenetic location: 14q32.33.
Variant type: single nucleotide variant.
Coding change: c.3356A>G on transcript NM_022489.4 (MANE Select); coding-DNA position 3356, A replaced by G.
Protein change: p.Asn1119Ser; replaces asparagine 1119 with serine.
Molecular consequence: missense variant.
Genome position (GRCh38, 1-based): chr14:104,714,518, A>G. VCF-style: chr14-104714518-A-G. GRCh37 (hg19) VCF-style: chr14-105180855-A-G.
Other names: c.3356A>G, p.Asn1119Ser (NM_001031714.4, NM_001426862.1, NM_001426863.1 and 2 more transcripts); short protein forms N1119S.
Identifiers: ClinVar variation 2939167 (VCV002939167.3), dbSNP rs200246759, ClinGen allele CA391224180.